The following is an entry in ClinVar:

NM_000492.4(CFTR):c.1040G>A (p.Arg347His)

Gene: CFTR (CF transmembrane conductance regulator; plus strand). Cytogenetic location: 7q31.2.
Variant type: single nucleotide variant.
Coding change: c.1040G>A on transcript NM_000492.4 (MANE Select); coding-DNA position 1040, G replaced by A.
Protein change: p.Arg347His; replaces arginine 347 with histidine.
Molecular consequence: missense variant.
Genome position (GRCh38, 1-based): chr7:117,540,270, G>A. VCF-style: chr7-117540270-G-A. GRCh37 (hg19) VCF-style: chr7-117180324-G-A.
Other names: short protein forms R347H.
Identifiers: ClinVar variation 7182 (VCV000007182.163), dbSNP rs77932196, ClinGen allele CA340652.
Genomic context (GRCh38, chr7:117,540,270, plus strand): 5'-TAATCAAAGGAATCATCCTCCGGAAAATATTCACCACCATCTCATTCTGCATTGTTCTGC[G>A]CATGGCGGTCACTCGGCAATTTCCCTGGGCTGTACAAACATGGTATGACTCTCTTGGAGC-3'
Protein context (NP_000483.3, residues 337-357): FTTISFCIVL[Arg347His]MAVTRQFPWA

ClinVar aggregate classification (germline): Pathogenic. Review status: reviewed by expert panel (3 of 4 stars). 26 submissions from 25 submitters: Pathogenic (1). 25 of the submissions do not count toward it. Last evaluated 2017-03-17.

Conditions:
CFTR-related disorder (CFTR-RD). Also called: CFTR-related disorders; CFTR-related condition. Identifiers: MedGen C5924204, MONDO:7770004.
Cystic fibrosis (CF). Also called: MUCOVISCIDOSIS. Identifiers: Orphanet 586, MedGen C0010674, MONDO:0009061, OMIM 219700. Disease mechanism: loss of function.
Congenital bilateral aplasia of vas deferens from CFTR mutation (CBAVD). Identifiers: Orphanet 48, MedGen C0403814, MONDO:0010178, OMIM 277180. Disease mechanism: loss of function.
Bronchiectasis with or without elevated sweat chloride 1 (BESC1). Also called: Cystic Fibrosis-Like Syndrome. Identifiers: Orphanet 60033, MedGen C2749757, MONDO:0008887, OMIM 211400.
Hereditary pancreatitis (PCTT). Also called: PRSS1-Related Hereditary Pancreatitis; Hereditary chronic pancreatitis. Identifiers: Orphanet 676, MedGen C0238339, MONDO:0008185, OMIM 167800.

Allele frequency attached by ClinVar (database versions not stated): gnomAD 0.00003; TOPMed 0.00003.
gnomAD v4.1: 84 of 1,613,842 alleles (0.0052%); highest among the groups gnomAD compares: Non-Finnish European, 0.0065%; no homozygotes.

Submissions 1 to 8 of 26:

CFTR2
Classification: Pathogenic for Cystic fibrosis. Last evaluated: 2017-03-17. Review status: reviewed by expert panel. Criteria: Sosnay PR et al. (Nat Genet 2013). Collection method: research. Allele origin: germline. Affected: yes. Study: CFTR2.

Labcorp Genetics (formerly Invitae), Labcorp
Classification: Pathogenic for Cystic fibrosis. Last evaluated: 2026-01-13. Review status: criteria provided, single submitter. Criteria: Invitae Variant Classification Sherloc (09022015). Collection method: clinical testing. Allele origin: germline. Not counted in ClinVar's aggregate classification.
Comment: This sequence change replaces arginine, which is basic and polar, with histidine, which is basic and polar, at codon 347 of the CFTR protein (p.Arg347His). This variant is present in population databases (rs77932196, gnomAD 0.004%). This missense change has been observed in individuals with cystic fibrosis (CF) and is included in the American College of Medical Genetics (ACMG) panel of CF variants (PMID: 15371902, 23974870). ClinVar contains an entry for this variant (Variation ID: 7182). Invitae Evidence Modeling of protein sequence and biophysical properties (such as structural, functional, and spatial information, amino acid conservation, physicochemical variation, residue mobility, and thermodynamic stability) indicates that this missense variant is expected to disrupt CFTR protein function with a positive predictive value of 80%. This variant disrupts the p.Arg347 amino acid residue in CFTR. Other variant(s) that disrupt this residue have been determined to be pathogenic (PMID: 2344617, 7683952). This suggests that this residue is clinically significant, and that variants that disrupt this residue are likely to be disease-causing. For these reasons, this variant has been classified as Pathogenic.

Victorian Clinical Genetics Services, Murdoch Childrens Research Institute
Classification: Pathogenic for Cystic fibrosis. Last evaluated: 2025-10-21. Review status: criteria provided, single submitter. Criteria: ACMG Guidelines, 2015. Collection method: clinical testing. Allele origin: germline. Affected: yes. Not counted in ClinVar's aggregate classification.
Comment: This variant is classified as Pathogenic. Evidence in support of pathogenic classification: Variant is present in gnomAD <0.01 for a recessive condition (v4: 84 heterozygote(s), 0 homozygote(s)); This variant has strong previous evidence of pathogenicity in unrelated individuals. This variant has been classified as pathogenic for cystic fibrosis by the CFTR2 Expert Panel (ClinVar). Additional information: Variant is predicted to result in a missense amino acid change from Arg to His; This variant is heterozygous; This gene is associated with autosomal recessive disease; Loss of function is a known mechanism of disease in this gene and is associated with cystic fibrosis (MIM#219700).

Ambry Genetics
Classification: Pathogenic for Cystic fibrosis. Last evaluated: 2025-10-17. Review status: criteria provided, single submitter. Criteria: Ambry Variant Classification Scheme 2023. Collection method: clinical testing. Allele origin: germline. Not counted in ClinVar's aggregate classification.
Comment: The c.1040G>A (p.R347H) alteration is located in exon 8 (coding exon 8) of the CFTR gene. This alteration results from a G to A substitution at nucleotide position 1040, causing the arginine (R) at amino acid position 347 to be replaced by a histidine (H). Based on data from gnomAD, the A allele has an overall frequency of 0.003% (7/282514) total alleles studied. The highest observed frequency was 0.014% (1/7208) of Other alleles. This variant has been reported in several individuals with CFTR or CFTR-related disorders and is included in the American College of Medical Genetics and Genomics (ACMG)'s list of recommended screening variants (Miller, 2018). In addition, this mutation has been detected in an individual with mild pulmonary disease and pancreatic sufficiency who carried p.F508del on the other allele (Cremonesi, 1992; Hojo, 1998). Of note, this mutation has been observed as part of a complex allele with p.D979A (Hojo, 1998). One functional study showed that this mutation results in reduced chloride channel activity but retains normal protein processing capabilities (Clain, 2001). Functional in vitro studies conclude that this mutation may be associated with elevated sweat chloride levels and pancreatic insufficiency (Sosnay, 2013). Based on the available evidence, this alteration is classified as pathogenic.

3billion
Classification: Pathogenic for Cystic fibrosis. Last evaluated: 2025-09-25. Review status: criteria provided, single submitter. Criteria: ACMG Guidelines, 2015. Collection method: clinical testing. Allele origin: germline. Affected: yes. Not counted in ClinVar's aggregate classification.
Comment: The variant is observed at an extremely low frequency in the gnomAD v4.1.0 dataset (total allele frequency: 0.005%). Predicted Consequence/Location: Missense variant In silico tool predictions suggest damaging effect of the variant on gene or gene product [REVEL: 0.89 (>=0.6, sensitivity 0.68 and specificity 0.92); 3Cnet: 0.95 (> 0.75, sensitivity 0.96 and precision 0.92)]. The same nucleotide change resulting in the same amino acid change has been previously reported as pathogenic/likely pathogenic with strong evidence (ClinVar ID: VCV000007182 /PMID: 1284538). The variant has been reported to be in trans with a pathogenic variant as either compound heterozygous or homozygous in at least one similarly affected unrelated individual (PMID: 28603918). Different missense changes at the same codon (p.Arg347Cys, p.Arg347Leu, p.Arg347Pro) have been reported as pathogenic/likely pathogenic with strong evidence (ClinVar ID: VCV000007110, VCV000007171, VCV000053172 /PMID: 2344617, 7683952). Therefore, this variant is classified as Pathogenic according to the recommendation of ACMG/AMP guideline.

Genomic Medicine Center of Excellence, King Faisal Specialist Hospital and Research Centre
Classification: Pathogenic for Cystic fibrosis. Last evaluated: 2025-09-10. Review status: criteria provided, single submitter. Criteria: ACMG Guidelines, 2015. Collection method: clinical testing. Allele origin: germline. Not counted in ClinVar's aggregate classification.

Natera, Inc.
Classification: Pathogenic for CFTR-related disorders. Last evaluated: 2025-09-04. Review status: criteria provided, single submitter. Criteria: Natera Variant Classification Schema (03/2026). Collection method: clinical testing. Allele origin: germline. Not counted in ClinVar's aggregate classification.
Comment: The c.1040G>A variant in CFTR is a missense variant predicted to cause substitution of arginine to histidine at amino acid 347. This variant is rare in the general population with a frequency below the threshold expected for the associated phenotype(s). This variant has been observed in one or more individuals affected with the associated recessive disease, as either homozygous or compound heterozygous with a second variant (PMID: 27728908, 25583415, 30888834). Given the available evidence, this variant is classified as Pathogenic.

Dasa
Classification: Pathogenic. Last evaluated: 2025-07-14. Review status: criteria provided, single submitter. Criteria: DASA Assertion Criteria. Collection method: clinical testing. Allele origin: germline. Not counted in ClinVar's aggregate classification.
Comment: NM_000492.4(CFTR):c.1040G>A (p.Arg347His) is a missense variant that results in the substitution of arginine with histidine. The affected residue or protein region has prior evidence supporting clinical relevance. This variant has been observed in affected individuals with related phenotype in a genotype context consistent with recessive disease (PMID: 23891399; PMID: 23974870; PMID: 1723032; PMID: 2344617; PMID: 12400067). Functional evidence supports a deleterious effect on the gene or gene product (PMID: 23891399; PMID: 23974870; PMID: 1723032; PMID: 2344617; PMID: 12400067). This variant has been recurrently observed in individuals with related phenotype (PMID: 23891399; PMID: 23974870; PMID: 1723032; PMID: 2344617; PMID: 12400067). Multiple computational predictions support a deleterious effect on the gene or gene product. The variant is present at low frequency in population datasets. Based on the available data, this variant is classified as pathogenic.